The following is an entry in ClinVar:

NM_006767.4(LZTR1):c.2397_2404dup (p.Lys802fs)

Gene: LZTR1 (leucine zipper like post translational regulator 1; plus strand). Cytogenetic location: 22q11.21.
Variant type: Duplication.
Coding change: c.2397_2404dup on transcript NM_006767.4 (MANE Select); coding-DNA positions 2397 to 2404, 8 bases duplicated (GTTCACCA; older notation c.2397_2404dupGTTCACCA).
Protein change: p.Lys802fs; shifts the reading frame from lysine 802.
Molecular consequence: frameshift variant.
Genome position (GRCh38, 1-based): chr22:20,996,957-20,996,964, GTTCACCA duplicated; duplicating any 8 consecutive bases within chr22:20,996,952-20,996,964 gives the same sequence; the c. name uses the placement nearest the transcript's 3' end. VCF-style (leftmost placement, unchanged base first): chr22-20996951-G-GCACCAGTT. GRCh37 (hg19) VCF-style: chr22-21351240-G-GCACCAGTT.
Other names: short protein forms K802fs.
Identifiers: ClinVar variation 2700375 (VCV002700375.3), dbSNP rs2518626145, ClinGen allele CA2697547699.

ClinVar aggregate classification (germline): Pathogenic (1 of 4 stars; one submission).

Submission:

Labcorp Genetics (formerly Invitae), Labcorp
Classification: Pathogenic. Last evaluated: 2023-12-02. Review status: criteria provided, single submitter. Criteria: Invitae Variant Classification Sherloc (09022015). Collection method: clinical testing. Allele origin: germline.
Comment: This sequence change creates a premature translational stop signal (p.Lys802Serfs*14) in the LZTR1 gene. While this is not anticipated to result in nonsense mediated decay, it is expected to disrupt the last 39 amino acid(s) of the LZTR1 protein. This variant is not present in population databases (gnomAD no frequency). This variant has not been reported in the literature in individuals affected with LZTR1-related conditions. This variant disrupts a region of the LZTR1 protein in which other variant(s) (p.Leu806Trp) have been determined to be pathogenic (Invitae). This suggests that this is a clinically significant region of the protein, and that variants that disrupt it are likely to be disease-causing. For these reasons, this variant has been classified as Pathogenic.